The following is an entry in ClinVar:

ClinVar aggregate classification (germline): Uncertain significance (1 of 4 stars; one submission).

Conditions:
Inborn genetic diseases. Identifiers: MedGen C0950123, MeSH D030342.

Submission:

Ambry Genetics
Classification: Uncertain significance for Inborn genetic diseases. Last evaluated: 2026-03-06. Review status: criteria provided, single submitter. Criteria: Ambry Variant Classification Scheme 2023. Collection method: clinical testing. Allele origin: germline.
Comment: The p.D714N variant (also known as c.2140G>A), located in coding exon 8 of the MECOM gene, results from a G to A substitution at nucleotide position 2140. The aspartic acid at codon 714 is replaced by asparagine, an amino acid with highly similar properties. This amino acid position is conserved. In addition, this alteration is predicted to be tolerated by in silico analysis. Based on the available evidence, the clinical significance of this variant remains unclear.

NM_004991.4(MECOM):c.2140G>A (p.Asp714Asn)

Gene: MECOM (MDS1 and EVI1 complex locus; minus strand). Cytogenetic location: 3q26.2.
Variant type: single nucleotide variant.
Coding change: c.2140G>A on transcript NM_004991.4 (MANE Select); coding-DNA position 2140, G replaced by A.
Protein change: p.Asp714Asn; replaces aspartic acid 714 with asparagine.
Molecular consequence: missense variant.
Genome position (GRCh38, 1-based): chr3:169,115,732, C>T on the plus strand (G>A on the coding strand, the complement: MECOM is on the minus strand). VCF-style: chr3-169115732-C-T. GRCh37 (hg19) VCF-style: chr3-168833520-C-T.
Other names: c.1771G>A, p.Asp591Asn (NM_001105077.4); c.1576G>A, p.Asp526Asn (NM_001105078.4, NM_001164000.2, NM_001205194.2 and 4 more transcripts); c.1579G>A, p.Asp527Asn (NM_001163999.2, NM_001366467.2, NM_001366468.2 and 1 more transcripts); c.2140G>A, p.Asp714Asn (NM_001366466.2); c.1168G>A, p.Asp390Asn (NM_001366473.2); c.604G>A, p.Asp202Asn (NM_001366474.2); short protein forms D390N, D202N, D527N, D591N, D714N, D526N.
Identifiers: ClinVar variation 4826712 (VCV004826712.1).
Genomic context (GRCh38, chr3:169,115,732, plus strand): 5'-GCAGTTTCTTTACTTCACCTGGTGATTGGGGTTCCATTTTCAAAGGTAACGATCTCAAGT[C>T]TCTATCAGGAAATGGGTACATTGATTGAGAGAATGCTGGAAAAAATGGGAGGGGAAACAT-3'
Protein context (NP_004982.2, residues 704-724): SQSMYPFPDR[Asp714Asn]LRSLPLKMEP